The following is an entry in ClinVar:

ClinVar aggregate classification (germline): Conflicting classifications of pathogenicity. Review status: criteria provided, conflicting classifications (1 of 4 stars). 4 submissions from 4 submitters: Uncertain significance (1); Likely benign (3). Last evaluated 2026-06-09.

Conditions:
F12-related disorder. Also called: F12-related disorders; F12-related condition. Identifiers: MedGen CN239389.
Inborn genetic diseases. Identifiers: MedGen C0950123, MeSH D030342.
Hereditary angioedema type 3 (HAE3). Also called: HAE WITH NORMAL C1 INHIBITOR CONCENTRATION AND FUNCTION; ANGIONEUROTIC EDEMA, HEREDITARY, WITH NORMAL C1 INHIBITOR CONCENTRATION AND FUNCTION; ESTROGEN-RELATED HAE; ESTROGEN-SENSITIVE HAE. Identifiers: Orphanet 100054, MedGen C1857728, MONDO:0012526, OMIM 610618.

Allele frequency attached by ClinVar (database versions not stated): ESP Exome Variant Server 0.00008; gnomAD 0.00010; ExAC 0.00012; gnomAD exomes 0.00017; TOPMed 0.00025.

Submissions (4):

PreventionGenetics, part of Exact Sciences
Classification: Likely benign for F12-related condition. Last evaluated: 2026-06-09. Review status: criteria provided, single submitter. Criteria: ACMG Guidelines, 2015. Collection method: clinical testing. Allele origin: germline.
Comment: This variant is classified as likely benign based on ACMG/AMP sequence variant interpretation guidelines (Richards et al. 2015 PMID: 25741868, with internal and published modifications).

Labcorp Genetics (formerly Invitae), Labcorp
Classification: Likely benign. Last evaluated: 2024-01-22. Review status: criteria provided, single submitter. Criteria: Invitae Variant Classification Sherloc (09022015). Collection method: clinical testing. Allele origin: germline.

Ambry Genetics
Classification: Uncertain significance for Inborn genetic diseases. Last evaluated: 2023-11-03. Review status: criteria provided, single submitter. Criteria: Ambry Variant Classification Scheme 2023. Collection method: clinical testing. Allele origin: germline.

CeMIA
Classification: Likely benign for Hereditary angioedema type 3. Review status: criteria provided, single submitter. Criteria: ACMG Guidelines, 2015. Collection method: clinical testing. Allele origin: germline. Affected: no. Observed: 1 variant allele.
Comment: Bioinformatic analysis by SIFT and PolyPhen2 algorithms predicted deleterious and probably damaging, respectively. It has been detected in 0.01556% alleles worldwide (gnomAD database) and its allele frequency is greater than that expected for FXII-HAE. Taking all the above into account and according to ACMG Guidelines (Criteria: BS1, BP5) the variant is considered likely benign.

NM_000505.4(F12):c.41T>C (p.Leu14Ser)

Gene: F12 (coagulation factor XII; minus strand). Cytogenetic location: 5q35.3.
Variant type: single nucleotide variant.
Coding change: c.41T>C on transcript NM_000505.4 (MANE Select); coding-DNA position 41, T replaced by C.
Protein change: p.Leu14Ser; replaces leucine 14 with serine.
Molecular consequence: missense variant.
Genome position (GRCh38, 1-based): chr5:177,409,487, A>G on the plus strand (T>C on the coding strand, the complement: F12 is on the minus strand). VCF-style: chr5-177409487-A-G. GRCh37 (hg19) VCF-style: chr5-176836488-A-G.
Other names: short protein forms L14S.
Identifiers: ClinVar variation 983442 (VCV000983442.13), dbSNP rs143809932, ClinGen allele CA3581650.